The following is an entry in ClinVar:

ClinVar aggregate classification (germline): Likely pathogenic (1 of 4 stars; one submission).

Conditions:
Kabuki syndrome. Also called: NIIKAWA-KUROKI SYNDROME; Kabuki make-up syndrome. Identifiers: Orphanet 2322, MedGen C0796004, MONDO:0016512.

Submission:

Labcorp Genetics (formerly Invitae), Labcorp
Classification: Likely pathogenic for Kabuki syndrome. Last evaluated: 2022-08-23. Review status: criteria provided, single submitter. Criteria: Invitae Variant Classification Sherloc (09022015). Collection method: clinical testing. Allele origin: germline.
Comment: Disruption of this splice site has been observed in individual(s) with Kabuki syndrome (Invitae). Algorithms developed to predict the effect of sequence changes on RNA splicing suggest that this variant may disrupt the consensus splice site. In summary, the currently available evidence indicates that the variant is pathogenic, but additional data are needed to prove that conclusively. Therefore, this variant has been classified as Likely Pathogenic. This variant is not present in population databases (gnomAD no frequency). This sequence change affects a donor splice site in intron 8 of the KMT2D gene. It is expected to disrupt RNA splicing. Variants that disrupt the donor or acceptor splice site typically lead to a loss of protein function (PMID: 16199547), and loss-of-function variants in KMT2D are known to be pathogenic (PMID: 22126750).

Literature cited by the submitters: PubMed 16199547; PubMed 22126750.

NM_003482.4(KMT2D):c.1112+1G>C

Gene: KMT2D (lysine methyltransferase 2D; minus strand). Cytogenetic location: 12q13.12.
Variant type: single nucleotide variant.
Coding change: c.1112+1G>C on transcript NM_003482.4 (MANE Select); the canonical splice donor site of the intron after coding-DNA position 1112, G replaced by C.
Molecular consequence: splice donor variant.
Genome position (GRCh38, 1-based): chr12:49,052,914, C>G on the plus strand (G>C on the coding strand, the complement: KMT2D is on the minus strand). VCF-style: chr12-49052914-C-G. GRCh37 (hg19) VCF-style: chr12-49446697-C-G.
Identifiers: ClinVar variation 2115543 (VCV002115543.4), dbSNP rs2498462626, ClinGen allele CA384677505.